The following is an entry in ClinVar:

ClinVar aggregate classification (germline): Uncertain significance. Review status: criteria provided, multiple submitters, no conflicts (2 of 4 stars). 2 submissions from 2 submitters: Uncertain significance (2). Last evaluated 2026-09-01.

Conditions:
Familial temporal lobe epilepsy 7. Identifiers: Orphanet 101046, MedGen C4225327, MONDO:0014639, OMIM 616436.
Norman-Roberts syndrome (LIS2). Also called: Lissencephaly 2 (Norman-Roberts type). Identifiers: Orphanet 89844, MedGen C0796089, MONDO:0009760, OMIM 257320.

Allele frequency attached by ClinVar (database versions not stated): gnomAD exomes below 0.00001; gnomAD 0.00001; TOPMed 0.00001.
gnomAD v4.1: 2 of 1,613,214 alleles (0.00012%); highest among the groups gnomAD compares: Admixed American, 0.0033%; no homozygotes.

Submissions (2):

CeGaT Center for Human Genetics Tuebingen
Classification: Uncertain significance. Last evaluated: 2026-09-01. Review status: criteria provided, single submitter. Criteria: CeGaT Center For Human Genetics Tuebingen Variant Classification Criteria Version 2. Collection method: clinical testing. Allele origin: germline. Affected: yes. Observed: 1 variant allele.
Comment: RELN: PM2

Labcorp Genetics (formerly Invitae), Labcorp
Classification: Uncertain significance for Familial temporal lobe epilepsy 7; Norman-Roberts syndrome. Last evaluated: 2021-09-01. Review status: criteria provided, single submitter. Criteria: Invitae Variant Classification Sherloc (09022015). Collection method: clinical testing. Allele origin: germline.

NM_005045.4(RELN):c.10157A>G (p.Gln3386Arg)

Genes: RELN (reelin; minus strand), SLC26A5-AS1 (SLC26A5 antisense RNA 1; plus strand). Cytogenetic location: 7q22.1.
Variant type: single nucleotide variant.
Coding change: c.10157A>G on transcript NM_005045.4 (MANE Select); coding-DNA position 10157, A replaced by G.
Protein change: p.Gln3386Arg; replaces glutamine 3386 with arginine.
Molecular consequence: missense variant.
Genome position (GRCh38, 1-based): chr7:103,483,677, T>C on the plus strand (A>G on the coding strand, the complement: RELN is on the minus strand). VCF-style: chr7-103483677-T-C. GRCh37 (hg19) VCF-style: chr7-103124124-T-C.
Other names: c.10157A>G, p.Gln3386Arg (NM_173054.3); short protein forms Q3386R.
Identifiers: ClinVar variation 1040633 (VCV001040633.5), dbSNP rs1562841823, ClinGen allele CA368738485.